The following is an entry in ClinVar:

NM_181486.4(TBX5):c.436del (p.Ala146fs)

Gene: TBX5 (T-box transcription factor 5; minus strand). Cytogenetic location: 12q24.21.
Variant type: Deletion.
Coding change: c.436del on transcript NM_181486.4 (MANE Select); coding-DNA position 436, one base deleted (G; older notation c.436delG).
Protein change: p.Ala146fs; shifts the reading frame from alanine 146.
Molecular consequence: frameshift variant.
Genome position (GRCh38, 1-based): chr12:114,398,647, C deleted on the plus strand (G on the coding strand, the reverse complement: TBX5 is on the minus strand); the first of 4 consecutive C bases (chr12:114,398,647-114,398,650); deleting any one gives the same sequence. VCF-style (leftmost placement, unchanged base first): chr12-114398646-GC-G. GRCh37 (hg19) VCF-style: chr12-114836451-GC-G.
Other names: c.436del, p.Ala146fs (NM_000192.3); c.286del, p.Ala96fs (NM_080717.4); short protein forms A146fs, A96fs.
Identifiers: ClinVar variation 2575575 (VCV002575575.1), dbSNP rs2540471519, ClinGen allele CA2573334465.

ClinVar aggregate classification (germline): Pathogenic (1 of 4 stars; one submission).

Submission:

GeneDx
Classification: Pathogenic. Last evaluated: 2023-02-09. Review status: criteria provided, single submitter. Criteria: GeneDx Variant Classification Process June 2021. Collection method: clinical testing. Allele origin: germline. Affected: yes.
Comment: Frameshift variant predicted to result in protein truncation or nonsense mediated decay in a gene for which loss of function is a known mechanism of disease; Not observed at significant frequency in large population cohorts (gnomAD); This variant is associated with the following publications: (PMID: 31502745)